The following is an entry in ClinVar:

ClinVar aggregate classification (germline): Uncertain significance (1 of 4 stars; one submission).

Submission:

GeneDx
Classification: Uncertain significance. Last evaluated: 2024-10-15. Review status: criteria provided, single submitter. Criteria: GeneDx Variant Classification Process June 2021. Collection method: clinical testing. Allele origin: germline.
Comment: Not observed at significant frequency in large population cohorts (gnomAD); In silico analysis indicates that this missense variant does not alter protein structure/function; Has not been previously published as pathogenic or benign to our knowledge

NM_031407.7(HUWE1):c.9500G>A (p.Ser3167Asn)

Gene: HUWE1 (HECT, UBA and WWE domain containing E3 ubiquitin protein ligase 1; minus strand). Cytogenetic location: Xp11.22.
Variant type: single nucleotide variant.
Coding change: c.9500G>A on transcript NM_031407.7 (MANE Select); coding-DNA position 9500, G replaced by A.
Protein change: p.Ser3167Asn; replaces serine 3167 with asparagine.
Molecular consequence: missense variant.
Genome position (GRCh38, 1-based): chrX:53,549,494, C>T on the plus strand (G>A on the coding strand, the complement: HUWE1 is on the minus strand). VCF-style: chrX-53549494-C-T. GRCh37 (hg19) VCF-style: chrX-53576455-C-T.
Other names: short protein forms S3167N.
Identifiers: ClinVar variation 2661996 (VCV002661996.2), dbSNP rs2523234219, ClinGen allele CA413138367.